The following is an entry in ClinVar:

NM_001085481.3(MAP1LC3B2):c.*12dup

Gene: MAP1LC3B2 (microtubule associated protein 1 light chain 3 beta 2; plus strand). Cytogenetic location: 12q24.22.
Variant type: Duplication.
Coding change: c.*12dup on transcript NM_001085481.3 (MANE Select); 12 bases downstream of the stop codon, one base duplicated (A; older notation c.*12dupA).
Molecular consequence: 3 prime UTR variant.
Genome position (GRCh38, 1-based): chr12:116,576,332, A duplicated; the last of 6 consecutive A bases (chr12:116,576,327-116,576,332); duplicating any one gives the same sequence. VCF-style (leftmost placement, unchanged base first): chr12-116576326-G-GA. GRCh37 (hg19) VCF-style: chr12-117014131-G-GA.
Identifiers: ClinVar variation 2688190 (VCV002688190.2), dbSNP rs55717114, ClinGen allele CA6812095.

ClinVar aggregate classification (germline): Benign (1 of 4 stars; one submission).

Submission:

Unidad de Genómica Garrahan, Hospital de Pediatría Garrahan
Classification: Benign. Last evaluated: 2024-01-24. Review status: criteria provided, single submitter. Criteria: ACMG Guidelines, 2015. Collection method: clinical testing. Allele origin: germline. Affected: no. Observed: 36 variant alleles.
Comment: This variant is classified as Benign based on local population frequency. This variant was detected in 38% of patients studied by a panel of primary immunodeficiencies. Number of patients: 36. Only high quality variants are reported.